The following is an entry in ClinVar:

NM_001605.3(AARS1):c.937G>A (p.Gly313Ser)

Gene: AARS1 (alanyl-tRNA synthetase 1; minus strand). Cytogenetic location: 16q22.1.
Variant type: single nucleotide variant.
Coding change: c.937G>A on transcript NM_001605.3 (MANE Select); coding-DNA position 937, G replaced by A.
Protein change: p.Gly313Ser; replaces glycine 313 with serine.
Molecular consequence: missense variant.
Genome position (GRCh38, 1-based): chr16:70,269,643, C>T on the plus strand (G>A on the coding strand, the complement: AARS1 is on the minus strand). VCF-style: chr16-70269643-C-T. GRCh37 (hg19) VCF-style: chr16-70303546-C-T.
Other names: short protein forms G313S.
Identifiers: ClinVar variation 424322 (VCV000424322.29), dbSNP rs141331431, ClinGen allele CA8141001.

ClinVar aggregate classification (germline): Uncertain significance. Review status: criteria provided, multiple submitters, no conflicts (2 of 4 stars). 4 submissions from 4 submitters: Uncertain significance (4). Last evaluated 2026-06-01.

Conditions:
Inborn genetic diseases. Identifiers: MedGen C0950123, MeSH D030342.
Charcot-Marie-Tooth disease type 2. Also called: Charcot-Marie-Tooth type 2. Identifiers: Orphanet 64746, MedGen C0270914, MONDO:0018993.

Allele frequency attached by ClinVar (database versions not stated): TOPMed 0.00002; ExAC 0.00003; gnomAD exomes 0.00003; ESP Exome Variant Server 0.00008.

Submissions (4):

CeGaT Center for Human Genetics Tuebingen
Classification: Uncertain significance. Last evaluated: 2026-06-01. Review status: criteria provided, single submitter. Criteria: CeGaT Center For Human Genetics Tuebingen Variant Classification Criteria Version 2. Collection method: clinical testing. Allele origin: germline. Affected: yes. Observed: 2 variant alleles.
Comment: AARS1: PM2, PP3

Labcorp Genetics (formerly Invitae), Labcorp
Classification: Uncertain significance for Charcot-Marie-Tooth disease type 2. Last evaluated: 2025-04-07. Review status: criteria provided, single submitter. Criteria: Invitae Variant Classification Sherloc (09022015). Collection method: clinical testing. Allele origin: germline.
Comment: This sequence change replaces glycine, which is neutral and non-polar, with serine, which is neutral and polar, at codon 313 of the AARS protein (p.Gly313Ser). This variant is present in population databases (rs141331431, gnomAD 0.01%). This variant has not been reported in the literature in individuals affected with AARS-related conditions. ClinVar contains an entry for this variant (Variation ID: 424322). Invitae Evidence Modeling of protein sequence and biophysical properties (such as structural, functional, and spatial information, amino acid conservation, physicochemical variation, residue mobility, and thermodynamic stability) has been performed for this missense variant. However, the output from this modeling did not meet the statistical confidence thresholds required to predict the impact of this variant on AARS protein function. In summary, the available evidence is currently insufficient to determine the role of this variant in disease. Therefore, it has been classified as a Variant of Uncertain Significance.

GeneDx
Classification: Uncertain significance. Last evaluated: 2022-12-27. Review status: criteria provided, single submitter. Criteria: GeneDx Variant Classification Process June 2021. Collection method: clinical testing. Allele origin: germline. Affected: yes.
Comment: In silico analysis supports that this missense variant has a deleterious effect on protein structure/function; Has not been previously published as pathogenic or benign to our knowledge; This variant is associated with the following publications: (PMID: 25817015)

Ambry Genetics
Classification: Uncertain significance for Inborn genetic diseases. Last evaluated: 2022-11-14. Review status: criteria provided, single submitter. Criteria: Ambry Variant Classification Scheme 2023. Collection method: clinical testing. Allele origin: germline.